The following is an entry in ClinVar:

NM_014159.7(SETD2):c.2530C>G (p.His844Asp)

Gene: SETD2 (SET domain containing 2, histone lysine methyltransferase; minus strand). Cytogenetic location: 3p21.31.
Variant type: single nucleotide variant.
Coding change: c.2530C>G on transcript NM_014159.7 (MANE Select); coding-DNA position 2530, C replaced by G.
Protein change: p.His844Asp; replaces histidine 844 with aspartic acid.
Molecular consequence: missense variant. On other transcripts: non-coding transcript variant (1).
Genome position (GRCh38, 1-based): chr3:47,122,106, G>C on the plus strand (C>G on the coding strand, the complement: SETD2 is on the minus strand). VCF-style: chr3-47122106-G-C. GRCh37 (hg19) VCF-style: chr3-47163596-G-C.
Other names: c.2398C>G, p.His800Asp (NM_001349370.3); short protein forms H800D, H844D.
Identifiers: ClinVar variation 4530896 (VCV004530896.1).

ClinVar aggregate classification (germline): Uncertain significance (1 of 4 stars; one submission).

gnomAD v4.1: 2 of 1,613,828 alleles (0.00012%); highest among the groups gnomAD compares: Admixed American, 0.0017%; no homozygotes.

Submission:

GeneDx
Classification: Uncertain significance. Last evaluated: 2025-05-22. Review status: criteria provided, single submitter. Criteria: GeneDx Variant Classification Process June 2021. Collection method: clinical testing. Allele origin: germline. Affected: yes.
Comment: Not observed at significant frequency in large population cohorts (gnomAD); In silico analysis supports that this missense variant has a deleterious effect on protein structure/function; Has not been previously published as pathogenic or benign to our knowledge